The following is an entry in ClinVar:

NM_001039958.2(MESP2):c.517_522del (p.Ala173_Gln174del)

Gene: MESP2 (mesoderm posterior bHLH transcription factor 2; plus strand). Cytogenetic location: 15q26.1.
Variant type: Deletion.
Coding change: c.517_522del on transcript NM_001039958.2 (MANE Select); coding-DNA positions 517 to 522, 6 bases deleted (GCGCAG; older notation c.517_522delGCGCAG).
Protein change: p.Ala173_Gln174del.
Molecular consequence: inframe deletion.
Genome position (GRCh38, 1-based): chr15:89,776,874-89,776,879, GCGCAG deleted; deleting any 6 consecutive bases within chr15:89,776,872-89,776,879 gives the same sequence; the c. name uses the placement nearest the transcript's 3' end. VCF-style (leftmost placement, unchanged base first): chr15-89776871-GAGGCGC-G. GRCh37 (hg19) VCF-style: chr15-90320102-GAGGCGC-G.
Identifiers: ClinVar variation 5004087 (VCV005004087.1).

ClinVar aggregate classification (germline): Uncertain significance (1 of 4 stars; one submission).

Conditions:
Spondylocostal dysostosis 2, autosomal recessive (SCDO2). Also called: Spondylocostal dysostosis type 2; MESP2-Related Spondylocostal Dysostosis, Autosomal Recessive. Identifiers: Orphanet 2311, MedGen C1837549, MONDO:0012097, OMIM 608681.

Submission:

Myriad Genetics, Inc.
Classification: Uncertain significance for Spondylocostal dysostosis 2, autosomal recessive. Last evaluated: 2025-07-29. Review status: criteria provided, single submitter. Criteria: Myriad Autosomal Dominant, Autosomal Recessive and X-Linked Classification Criteria (2023). Collection method: clinical testing. Allele origin: unknown.
Comment: NM_001039958.1(MESP2):c.517_522del6(A173_Q174del) is an in-frame deletion classified as a variant of uncertain significance in the context of spondylothoracic dysostosis. A173_Q174del has not been observed in cases with relevant disease. Relevant functional assessments of this variant are not available in the literature. A173_Q174del has not been observed in referenced population frequency databases. In summary, there is insufficient evidence to classify NM_001039958.1(MESP2):c.517_522del6(A173_Q174del) as pathogenic or benign. Please note: this variant was assessed in the context of healthy population screening.